The following is an entry in ClinVar:

ClinVar aggregate classification (germline): Uncertain significance (1 of 4 stars; one submission).

Conditions:
CHARGE syndrome (CHARGE). Also called: Coloboma, heart anomaly, choanal atresia, retardation, genital and ear anomalies; CHARGE association; Hall-Hittner syndrome; Hittner Hirsch Kreh syndrome; CHARGE ASSOCIATION--COLOBOMA, HEART ANOMALY, CHOANAL ATRESIA, RETARDATION, GENITAL AND EAR ANOMALIES. Identifiers: Orphanet 138, MedGen C0265354, MONDO:0008965.

Submission:

Labcorp Genetics (formerly Invitae), Labcorp
Classification: Uncertain significance for CHARGE syndrome. Last evaluated: 2022-09-08. Review status: criteria provided, single submitter. Criteria: Invitae Variant Classification Sherloc (09022015). Collection method: clinical testing. Allele origin: germline.
Comment: In summary, the available evidence is currently insufficient to determine the role of this variant in disease. Therefore, it has been classified as a Variant of Uncertain Significance. Algorithms developed to predict the effect of missense changes on protein structure and function (SIFT, PolyPhen-2, Align-GVGD) all suggest that this variant is likely to be disruptive. ClinVar contains an entry for this variant (Variation ID: 1487954). This sequence change replaces glycine, which is neutral and non-polar, with cysteine, which is neutral and slightly polar, at codon 2805 of the CHD7 protein (p.Gly2805Cys). This variant is not present in population databases (gnomAD no frequency). This variant has not been reported in the literature in individuals affected with CHD7-related conditions.

NM_017780.4(CHD7):c.8413G>T (p.Gly2805Cys)

Gene: CHD7 (chromodomain helicase DNA binding protein 7; plus strand). Cytogenetic location: 8q12.2.
Variant type: single nucleotide variant.
Coding change: c.8413G>T on transcript NM_017780.4 (MANE Select); coding-DNA position 8413, G replaced by T.
Protein change: p.Gly2805Cys; replaces glycine 2805 with cysteine.
Molecular consequence: missense variant.
Genome position (GRCh38, 1-based): chr8:60,865,352, G>T. VCF-style: chr8-60865352-G-T. GRCh37 (hg19) VCF-style: chr8-61777911-G-T.
Other names: c.2266G>T, p.Gly756Cys (NM_001316690.1); short protein forms G756C, G2805C.
Identifiers: ClinVar variation 1487954 (VCV001487954.6), dbSNP rs759567393, ClinGen allele CA371309076.